The following is an entry in ClinVar:

ClinVar aggregate classification (germline): Benign. Review status: criteria provided, single submitter (1 of 4 stars). 2 submissions from 2 submitters: Benign (1). 1 of the submissions does not count toward it. Last evaluated 2026-01-26.

Conditions:
MYOM1-related disorder.
Hypertrophic cardiomyopathy. Also called: HYPERTROPHIC MYOCARDIOPATHY. Identifiers: Orphanet 217569, MedGen C0007194, MeSH D002312, MONDO:0005045, HP:0001639.

Allele frequency attached by ClinVar (database versions not stated): gnomAD exomes 0.00003 and 0.00014; ExAC 0.00015; gnomAD 0.00015 and 0.00016; TOPMed 0.00017.
gnomAD v4.1: 117 of 1,613,346 alleles (0.0073%); highest among the groups gnomAD compares: East Asian, 0.11%; 2 homozygotes.

Submissions (2):

Labcorp Genetics (formerly Invitae), Labcorp
Classification: Benign for Hypertrophic cardiomyopathy. Last evaluated: 2026-01-26. Review status: criteria provided, single submitter. Criteria: Invitae Variant Classification Sherloc (09022015). Collection method: clinical testing. Allele origin: germline.

PreventionGenetics, part of Exact Sciences
Classification: Likely benign for MYOM1-related condition. Last evaluated: 2020-09-03. Review status: no assertion criteria provided. Collection method: clinical testing. Allele origin: germline. Not counted in ClinVar's aggregate classification.
Comment: This variant is classified as likely benign based on ACMG/AMP sequence variant interpretation guidelines (Richards et al. 2015 PMID: 25741868, with internal and published modifications).

NM_003803.4(MYOM1):c.4648+9A>T

Gene: MYOM1 (myomesin 1; minus strand). Cytogenetic location: 18p11.31.
Variant type: single nucleotide variant.
Coding change: c.4648+9A>T on transcript NM_003803.4 (MANE Select); 9 bases into the intron after coding-DNA position 4648, A replaced by T.
Molecular consequence: intron variant.
Genome position (GRCh38, 1-based): chr18:3,079,170, T>A on the plus strand (A>T on the coding strand, the complement: MYOM1 is on the minus strand). VCF-style: chr18-3079170-T-A. GRCh37 (hg19) VCF-style: chr18-3079168-T-A.
Other names: c.4360+9A>T (NM_019856.2).
Identifiers: ClinVar variation 416034 (VCV000416034.13), dbSNP rs758050936, ClinGen allele CA8873888.